The following is an entry in ClinVar:

NM_001148.6(ANK2):c.11318+4A>G

Gene: ANK2 (ankyrin 2; plus strand). Cytogenetic location: 4q26.
Variant type: single nucleotide variant.
Coding change: c.11318+4A>G on transcript NM_001148.6 (MANE Select); 4 bases into the intron after coding-DNA position 11318, A replaced by G.
Molecular consequence: intron variant.
Genome position (GRCh38, 1-based): chr4:113,367,855, A>G. VCF-style: chr4-113367855-A-G. GRCh37 (hg19) VCF-style: chr4-114289011-A-G.
Other names: c.5048+4A>G (NM_001386186.2, NM_001386148.2); c.4850+4A>G (NM_001354269.3); c.4928+4A>G (NM_001386187.2); c.4889+4A>G (NM_001386147.1); c.4907+4A>G (NM_001386160.1); c.5012+4A>G (NM_001354254.2); c.5033+4A>G (NM_001354239.2, NM_001354252.2); c.4934+4A>G (NM_001354272.2); and 35 more.
Identifiers: ClinVar variation 4613587 (VCV004613587.1).

ClinVar aggregate classification (germline): Uncertain significance (1 of 4 stars; one submission).

Conditions:
Cardiovascular phenotype. Identifiers: MedGen CN230736.

Submission:

Ambry Genetics
Classification: Uncertain significance for Cardiovascular phenotype. Last evaluated: 2025-10-09. Review status: criteria provided, single submitter. Criteria: Ambry Variant Classification Scheme 2023. Collection method: clinical testing. Allele origin: germline.
Comment: The c.11318+4A>G intronic alteration consists of an A to G substitution 4 nucleotides after exon 42 (coding exon 42) of the ANK2 gene. This variant was not reported in population-based cohorts in the Genome Aggregation Database (gnomAD). This nucleotide position is highly conserved in available vertebrate species. In silico splice site analysis predicts that this alteration will weaken the native splice donor site. Based on insufficient or conflicting evidence, the clinical significance of this alteration remains unclear.